The following is an entry in ClinVar:

ClinVar aggregate classification (germline): Uncertain significance. Review status: criteria provided, multiple submitters, no conflicts (2 of 4 stars). 4 submissions from 4 submitters: Uncertain significance (3). 1 of the submissions does not count toward it. Last evaluated 2026-02-13.

Conditions:
Cardiovascular phenotype. Identifiers: MedGen CN230736.
CBL-related disorder. Also called: NOONAN SYNDROME-LIKE DISORDER WITHOUT JUVENILE MYELOMONOCYTIC LEUKEMIA; CBL MUTATION-ASSOCIATED SYNDROME; CBL SYNDROME. Identifiers: Orphanet 363972, MedGen C3150803, MONDO:0013308, OMIM 613563.
RASopathy. Also called: Noonan spectrum disorder; rasopathies. Identifiers: Orphanet 536391, MedGen C5555857, MONDO:0021060.

Allele frequency attached by ClinVar (database versions not stated): gnomAD exomes below 0.00001.
gnomAD v4.1: 1 of 1,614,080 alleles (0.000062%); highest among the groups gnomAD compares: East Asian, 0.0022%; no homozygotes.

Submissions (4):

GeneDx
Classification: Uncertain significance. Last evaluated: 2026-02-13. Review status: criteria provided, single submitter. Criteria: GeneDx Variant Classification Process June 2021. Collection method: clinical testing. Allele origin: germline.
Comment: Not observed at significant frequency in large population cohorts (gnomAD); In silico analysis supports that this missense variant does not alter protein structure/function; Has not been previously published as pathogenic or benign to our knowledge; This variant is associated with the following publications: (PMID: 18034775, 20619386)

Ambry Genetics
Classification: Uncertain significance for Cardiovascular phenotype. Last evaluated: 2025-12-07. Review status: criteria provided, single submitter. Criteria: Ambry Variant Classification Scheme 2023. Collection method: clinical testing. Allele origin: germline.
Comment: The p.I318V variant (also known as c.952A>G), located in coding exon 6 of the CBL gene, results from an A to G substitution at nucleotide position 952. The isoleucine at codon 318 is replaced by valine, an amino acid with highly similar properties. This amino acid position is conserved. In addition, the in silico prediction for this alteration is inconclusive. Based on the available evidence, the clinical significance of this variant remains unclear.

Labcorp Genetics (formerly Invitae), Labcorp
Classification: Uncertain significance for RASopathy. Last evaluated: 2022-03-18. Review status: criteria provided, single submitter. Criteria: Invitae Variant Classification Sherloc (09022015). Collection method: clinical testing. Allele origin: germline.
Comment: In summary, the available evidence is currently insufficient to determine the role of this variant in disease. Therefore, it has been classified as a Variant of Uncertain Significance. Algorithms developed to predict the effect of missense changes on protein structure and function are either unavailable or do not agree on the potential impact of this missense change (SIFT: "Deleterious"; PolyPhen-2: "Probably Damaging"; Align-GVGD: "Class C0"). This variant has not been reported in the literature in individuals affected with CBL-related conditions. This variant is not present in population databases (gnomAD no frequency). This sequence change replaces isoleucine, which is neutral and non-polar, with valine, which is neutral and non-polar, at codon 318 of the CBL protein (p.Ile318Val).

PreventionGenetics, part of Exact Sciences
Classification: Uncertain significance for CBL-related condition. Last evaluated: 2024-07-22. Review status: no assertion criteria provided. Collection method: clinical testing. Allele origin: germline. Not counted in ClinVar's aggregate classification.
Comment: The CBL c.952A>G variant is predicted to result in the amino acid substitution p.Ile318Val. To our knowledge, this variant has not been reported in the literature or in a large population database, indicating this variant is rare. Although we suspect that this variant may be pathogenic, at this time, the clinical significance of this variant is uncertain due to the absence of conclusive functional and genetic evidence.

NM_005188.4(CBL):c.952A>G (p.Ile318Val)

Gene: CBL (Cbl proto-oncogene; plus strand). Cytogenetic location: 11q23.3.
Variant type: single nucleotide variant.
Coding change: c.952A>G on transcript NM_005188.4 (MANE Select); coding-DNA position 952, A replaced by G.
Protein change: p.Ile318Val; replaces isoleucine 318 with valine.
Molecular consequence: missense variant.
Genome position (GRCh38, 1-based): chr11:119,276,079, A>G. VCF-style: chr11-119276079-A-G. GRCh37 (hg19) VCF-style: chr11-119146789-A-G.
Other names: c.952A>G (NM_005188.2); short protein forms I318V.
Identifiers: ClinVar variation 1947914 (VCV001947914.9), dbSNP rs2496935700, ClinGen allele CA382911511.